The following is an entry in ClinVar:

ClinVar aggregate classification (germline): Uncertain significance. Review status: criteria provided, multiple submitters, no conflicts (2 of 4 stars). 2 submissions from 2 submitters: Uncertain significance (2). Last evaluated 2025-08-24.

Submissions (2):

Labcorp Genetics (formerly Invitae), Labcorp
Classification: Uncertain significance. Last evaluated: 2025-08-24. Review status: criteria provided, single submitter. Criteria: Invitae Variant Classification Sherloc (09022015). Collection method: clinical testing. Allele origin: germline.
Comment: This sequence change replaces aspartic acid, which is acidic and polar, with tyrosine, which is neutral and polar, at codon 357 of the COL11A1 protein (p.Asp357Tyr). This variant is not present in population databases (gnomAD no frequency). This variant has not been reported in the literature in individuals affected with COL11A1-related conditions. Invitae Evidence Modeling of protein sequence and biophysical properties (such as structural, functional, and spatial information, amino acid conservation, physicochemical variation, residue mobility, and thermodynamic stability) indicates that this missense variant is not expected to disrupt COL11A1 protein function with a negative predictive value of 95%. In summary, the available evidence is currently insufficient to determine the role of this variant in disease. Therefore, it has been classified as a Variant of Uncertain Significance.

Blueprint Genetics
Classification: Uncertain significance. Last evaluated: 2020-02-27. Review status: criteria provided, single submitter. Criteria: ACMG Guidelines, 2015. Collection method: clinical testing. Allele origin: germline.

NM_001854.4(COL11A1):c.1069G>T (p.Asp357Tyr)

Gene: COL11A1 (collagen type XI alpha 1 chain; minus strand). Cytogenetic location: 1p21.1.
Variant type: single nucleotide variant.
Coding change: c.1069G>T on transcript NM_001854.4 (MANE Select); coding-DNA position 1069, G replaced by T.
Protein change: p.Asp357Tyr; replaces aspartic acid 357 with tyrosine.
Molecular consequence: missense variant. On other transcripts: non-coding transcript variant (1), intron variant (1).
Genome position (GRCh38, 1-based): chr1:103,022,918, C>A on the plus strand (G>T on the coding strand, the complement: COL11A1 is on the minus strand). VCF-style: chr1-103022918-C-A. GRCh37 (hg19) VCF-style: chr1-103488474-C-A.
Other names: c.952G>T, p.Asp318Tyr (NM_001190709.2); c.1105G>T, p.Asp369Tyr (NM_080629.3); c.898-1149G>T (NM_080630.4); short protein forms D357Y, D369Y, D318Y.
Identifiers: ClinVar variation 4752514 (VCV004752514.2).